The following is an entry in ClinVar:

ClinVar aggregate classification (germline): Uncertain significance (1 of 4 stars; one submission).

Conditions:
Inborn genetic diseases. Identifiers: MedGen C0950123, MeSH D030342.

Submission:

Ambry Genetics
Classification: Uncertain significance for Inborn genetic diseases. Last evaluated: 2026-07-24. Review status: criteria provided, single submitter. Criteria: Ambry Variant Classification Scheme 2023. Collection method: clinical testing. Allele origin: germline.
Comment: The p.A227D variant (also known as c.680C>A), located in coding exon 1 of the SH2B3 gene, results from a C to A substitution at nucleotide position 680. The alanine at codon 227 is replaced by aspartic acid, an amino acid with dissimilar properties. This amino acid position is conserved. In addition, this alteration is predicted to be tolerated by in silico analysis. Based on the available evidence, the clinical significance of this variant remains unclear.

NM_005475.3(SH2B3):c.680C>A (p.Ala227Asp)

Gene: SH2B3 (SH2B adaptor protein 3; plus strand). Cytogenetic location: 12q24.12.
Variant type: single nucleotide variant.
Coding change: c.680C>A on transcript NM_005475.3 (MANE Select); coding-DNA position 680, C replaced by A.
Protein change: p.Ala227Asp; replaces alanine 227 with aspartic acid.
Molecular consequence: missense variant.
Genome position (GRCh38, 1-based): chr12:111,418,825, C>A. VCF-style: chr12-111418825-C-A. GRCh37 (hg19) VCF-style: chr12-111856629-C-A.
Other names: short protein forms A227D.
Identifiers: ClinVar variation 5029483 (VCV005029483.1).
Genomic context (GRCh38, chr12:111,418,825, plus strand): 5'-ACGAGGCCTCCATGGACAGCGGGGCACGCTGGCAGCGCGGGAGGCTGGCGCTGCGCCGGG[C>A]CCCGGGCCCCGATGGCCCCGACCGCGTGCTGGAGCTCTTCGACCCACCCAAGGTAAGTAA-3'
Protein context (NP_005466.1, residues 217-237): WQRGRLALRR[Ala227Asp]PGPDGPDRVL